The following is an entry in ClinVar:

ClinVar aggregate classification (germline): Pathogenic (1 of 4 stars; one submission).

Submission:

Labcorp Genetics (formerly Invitae), Labcorp
Classification: Pathogenic. Last evaluated: 2024-04-15. Review status: criteria provided, single submitter. Criteria: Invitae Variant Classification Sherloc (09022015). Collection method: clinical testing. Allele origin: germline.
Comment: This sequence change creates a premature translational stop signal (p.Ile1611Serfs*22) in the POLE gene. It is expected to result in an absent or disrupted protein product. Loss-of-function variants in POLE are known to be pathogenic (PMID: 23230001, 25948378, 30503519). This variant is not present in population databases (gnomAD no frequency). This variant has not been reported in the literature in individuals affected with POLE-related conditions. ClinVar contains an entry for this variant (Variation ID: 1382005). For these reasons, this variant has been classified as Pathogenic.

Literature cited by the submitters: PubMed 23230001; PubMed 25948378; PubMed 30503519.

NM_006231.4(POLE):c.4830del (p.Ile1611fs)

Gene: POLE (DNA polymerase epsilon, catalytic subunit; minus strand). Cytogenetic location: 12q24.33.
Variant type: Deletion.
Coding change: c.4830del on transcript NM_006231.4 (MANE Select); coding-DNA position 4830, one base deleted (T; older notation c.4830delT).
Protein change: p.Ile1611fs; shifts the reading frame from isoleucine 1611.
Molecular consequence: frameshift variant.
Genome position (GRCh38, 1-based): chr12:132,642,628, A deleted on the plus strand (T on the coding strand, the reverse complement: POLE is on the minus strand). VCF-style (leftmost placement, unchanged base first): chr12-132642627-TA-T. GRCh37 (hg19) VCF-style: chr12-133219213-TA-T.
Other names: short protein forms I1611fs.
Identifiers: ClinVar variation 1382005 (VCV001382005.6), dbSNP rs2138535526, ClinGen allele CA2573148247.